The following is an entry in ClinVar:

NM_000090.4(COL3A1):c.1622G>T (p.Ser541Ile)

Gene: COL3A1 (collagen type III alpha 1 chain; plus strand). Cytogenetic location: 2q32.2.
Variant type: single nucleotide variant.
Coding change: c.1622G>T on transcript NM_000090.4 (MANE Select); coding-DNA position 1622, G replaced by T.
Protein change: p.Ser541Ile; replaces serine 541 with isoleucine.
Molecular consequence: missense variant.
Genome position (GRCh38, 1-based): chr2:188,996,138, G>T. VCF-style: chr2-188996138-G-T. GRCh37 (hg19) VCF-style: chr2-189860864-G-T.
Other names: p.S541I:AGT>ATT; short protein forms S541I.
Identifiers: ClinVar variation 199723 (VCV000199723.2), dbSNP rs794728046, ClinGen allele CA004376.

ClinVar aggregate classification (germline): Uncertain significance (1 of 4 stars; one submission).

gnomAD v4.1: 2 of 1,613,658 alleles (0.00012%); highest among the groups gnomAD compares: Non-Finnish European, 0.00017%; no homozygotes.

Submission:

GeneDx
Classification: Uncertain significance. Last evaluated: 2014-03-15. Review status: criteria provided, single submitter. Criteria: GeneDx Variant Classification (06012015). Collection method: clinical testing. Allele origin: germline. Affected: yes.
Comment: p.Ser541Ile (AGT>ATT): c.1622 G>T in exon 23 of the COL3A1 gene (NM_000090.3) The S541I variant has not been published as a mutation, nor has it been reported as a benign polymorphism to our knowledge. No population data was available for this substitution. The S541I variant is a non-conservative amino acid substitution, which is likely to impact secondary protein structure as these residues differ in polarity, charge, size and/or other properties. This substitution occurs at a position that is conserved across species and is located within triple helical region. In silico analysis is inconsistent in its predictions as to whether or not the variant is damaging to the protein structure/function. Missense mutations in nearby residues (G540R, G549E) have been reported in association with EDS, type IV, supporting the functional importance of this region of the protein. Therefore, based on the currently available information, it is unclear whether this variant is a pathogenic mutation or a rare benign variant. The variant is found in TAAD panel(s).